The following is an entry in ClinVar:

ClinVar aggregate classification (germline): Uncertain significance. Review status: criteria provided, multiple submitters, no conflicts (2 of 4 stars). 3 submissions from 3 submitters: Uncertain significance (3). Last evaluated 2025-05-20.

Conditions:
Hereditary cancer-predisposing syndrome. Also called: Hereditary Cancer Syndrome; Neoplastic Syndromes, Hereditary; Tumor predisposition; Hereditary neoplastic syndrome. Identifiers: Orphanet 140162, MedGen C0027672, MeSH D009386, MONDO:0015356.
Microcephaly, normal intelligence and immunodeficiency (NBS). Also called: IMMUNODEFICIENCY, MICROCEPHALY, AND CHROMOSOMAL INSTABILITY; SEEMANOVA SYNDROME II; Immunodeficiency, microcephaly with normal intelligence; Ataxia telangiectasia variant V1; Nijmegen breakage syndrome; Microcephaly with normal intelligence immunodeficiency and lymphoreticular malignancies. Identifiers: Orphanet 647, MedGen C0398791, MONDO:0009623, OMIM 251260.

gnomAD v4.1: 1 of 1,613,724 alleles (0.000062%); highest among the groups gnomAD compares: Non-Finnish European, 0.000085%; no homozygotes.

Submissions (3):

Ambry Genetics
Classification: Uncertain significance for Hereditary cancer-predisposing syndrome. Last evaluated: 2025-05-20. Review status: criteria provided, single submitter. Criteria: Ambry Variant Classification Scheme 2023. Collection method: clinical testing. Allele origin: germline.
Comment: The p.T434N variant (also known as c.1301C>A), located in coding exon 10 of the NBN gene, results from a C to A substitution at nucleotide position 1301. The threonine at codon 434 is replaced by asparagine, an amino acid with similar properties. This amino acid position is not well conserved in available vertebrate species. In addition, this alteration is predicted to be tolerated by in silico analysis. Since supporting evidence is limited at this time, the clinical significance of this alteration remains unclear.

Genome-Nilou Lab
Classification: Uncertain significance for Microcephaly, normal intelligence and immunodeficiency. Last evaluated: 2021-11-07. Review status: criteria provided, single submitter. Criteria: ACMG Guidelines, 2015. Collection method: clinical testing. Allele origin: germline. Affected: no.

Labcorp Genetics (formerly Invitae), Labcorp
Classification: Uncertain significance for Microcephaly, normal intelligence and immunodeficiency. Last evaluated: 2020-11-26. Review status: criteria provided, single submitter. Criteria: Invitae Variant Classification Sherloc (09022015). Collection method: clinical testing. Allele origin: germline.
Comment: In summary, the available evidence is currently insufficient to determine the role of this variant in disease. Therefore, it has been classified as a Variant of Uncertain Significance. This sequence change replaces threonine with asparagine at codon 434 of the NBN protein (p.Thr434Asn). The threonine residue is weakly conserved and there is a small physicochemical difference between threonine and asparagine. This variant is not present in population databases (ExAC no frequency). This variant has not been reported in the literature in individuals with NBN-related disease. ClinVar contains an entry for this variant (Variation ID: 187536). Algorithms developed to predict the effect of missense changes on protein structure and function output the following: SIFT: "Tolerated"; PolyPhen-2: "Benign"; Align-GVGD: "Class C0". The asparagine amino acid residue is found in multiple mammalian species, suggesting that this missense change does not adversely affect protein function. These predictions have not been confirmed by published functional studies and their clinical significance is uncertain.

NM_002485.5(NBN):c.1301C>A (p.Thr434Asn)

Gene: NBN (nibrin; minus strand). Cytogenetic location: 8q21.3.
Variant type: single nucleotide variant.
Coding change: c.1301C>A on transcript NM_002485.5 (MANE Select); coding-DNA position 1301, C replaced by A.
Protein change: p.Thr434Asn; replaces threonine 434 with asparagine.
Molecular consequence: missense variant.
Genome position (GRCh38, 1-based): chr8:89,955,379, G>T on the plus strand (C>A on the coding strand, the complement: NBN is on the minus strand). VCF-style: chr8-89955379-G-T. GRCh37 (hg19) VCF-style: chr8-90967607-G-T.
Other names: c.1055C>A, p.Thr352Asn (NM_001024688.3); short protein forms T434N, T352N.
Identifiers: ClinVar variation 187536 (VCV000187536.17), dbSNP rs757452107, ClinGen allele CA197896.